The following is an entry in ClinVar:

ClinVar aggregate classification (germline): Uncertain significance (1 of 4 stars; one submission).

Conditions:
Intellectual disability, autosomal recessive 42 (NEDDSBA). Also called: Neurodevelopmental disorder with dysmorphic features, spasticity, and brain abnormalities; GLYCOSYLPHOSPHATIDYLINOSITOL BIOSYNTHESIS DEFECT 9. Identifiers: Orphanet 88616, MedGen C4014343, MONDO:0014348, OMIM 615802.

Allele frequency attached by ClinVar (database versions not stated): gnomAD exomes below 0.00001; TOPMed 0.00003.
gnomAD v4.1: 2 of 1,603,282 alleles (0.00012%); highest among the groups gnomAD compares: Admixed American, 0.0017%; no homozygotes.

Submission:

Labcorp Genetics (formerly Invitae), Labcorp
Classification: Uncertain significance for Intellectual disability, autosomal recessive 42. Last evaluated: 2022-04-07. Review status: criteria provided, single submitter. Criteria: Invitae Variant Classification Sherloc (09022015). Collection method: clinical testing. Allele origin: germline.
Comment: This sequence change replaces valine, which is neutral and non-polar, with alanine, which is neutral and non-polar, at codon 286 of the PGAP1 protein (p.Val286Ala). This variant is present in population databases (no rsID available, gnomAD 0.003%). This variant has not been reported in the literature in individuals affected with PGAP1-related conditions. Algorithms developed to predict the effect of missense changes on protein structure and function (SIFT, PolyPhen-2, Align-GVGD) all suggest that this variant is likely to be disruptive. In summary, the available evidence is currently insufficient to determine the role of this variant in disease. Therefore, it has been classified as a Variant of Uncertain Significance.

NM_024989.4(PGAP1):c.857T>C (p.Val286Ala)

Gene: PGAP1 (post-GPI attachment to proteins inositol deacylase 1; minus strand). Cytogenetic location: 2q33.1.
Variant type: single nucleotide variant.
Coding change: c.857T>C on transcript NM_024989.4 (MANE Select); coding-DNA position 857, T replaced by C.
Protein change: p.Val286Ala; replaces valine 286 with alanine.
Molecular consequence: missense variant. On other transcripts: 5 prime UTR variant (1).
Genome position (GRCh38, 1-based): chr2:196,898,320, A>G on the plus strand (T>C on the coding strand, the complement: PGAP1 is on the minus strand). VCF-style: chr2-196898320-A-G. GRCh37 (hg19) VCF-style: chr2-197763044-A-G.
Other names: c.335T>C, p.Val112Ala (NM_001321099.2); c.-255T>C (NM_001321100.2); short protein forms V112A, V286A.
Identifiers: ClinVar variation 2175327 (VCV002175327.4), dbSNP rs1265102731, ClinGen allele CA350177078.
Genomic context (GRCh38, chr2:196,898,320, plus strand): 5'-GAGGAGAAAGAGGACCATGACAACTCATCAAAACAAGTTATACAAGTATTAACTTACCAC[A>G]CAATGGAGAGGTGGTCTGTTGAGACCCAGGTCTTAGGCACTGCTGAACTCTAAAAGAAAA-3'
Protein context (NP_079265.2, residues 276-296): TWVSTDHLSI[Val286Ala]WCKQLQLTTV